The following is an entry in ClinVar:

ClinVar aggregate classification (germline): Benign/Likely benign. Review status: criteria provided, multiple submitters, no conflicts (2 of 4 stars). 7 submissions from 7 submitters: Benign (2); Likely benign (4). 1 of the submissions does not count toward it. Last evaluated 2025-12-16.

Conditions:
Focal segmental glomerulosclerosis 2 (FSGS2). Identifiers: Orphanet 656, MedGen C1858915, MONDO:0011390, OMIM 603965.
TRPC6-related disorder. Also called: TRPC6-related condition.

Allele frequency attached by ClinVar (database versions not stated): ESP Exome Variant Server 0.00208; TOPMed 0.00214; gnomAD 0.00222 and 0.00205; gnomAD exomes 0.00018 and 0.00044; ExAC 0.00060; 1000 Genomes Project 30x 0.00125; 1000 Genomes Project 0.00160.
gnomAD v4.1: 598 of 1,613,768 alleles (0.037%); highest among the groups gnomAD compares: African/African-American, 0.72%; no homozygotes.

Submissions (7):

Labcorp Genetics (formerly Invitae), Labcorp
Classification: Benign. Last evaluated: 2025-12-16. Review status: criteria provided, single submitter. Criteria: Invitae Variant Classification Sherloc (09022015). Collection method: clinical testing. Allele origin: germline.

Blueprint Genetics
Classification: Likely benign. Last evaluated: 2024-11-05. Review status: criteria provided, single submitter. Criteria: ACMG Guidelines, 2015. Collection method: clinical testing. Allele origin: germline.

Fulgent Genetics
Classification: Likely benign for Focal segmental glomerulosclerosis 2. Last evaluated: 2021-08-20. Review status: criteria provided, single submitter. Criteria: ACMG Guidelines, 2015. Collection method: clinical testing. Allele origin: unknown.

GeneDx
Classification: Likely benign. Last evaluated: 2020-04-10. Review status: criteria provided, single submitter. Criteria: GeneDx Variant Classification Process June 2021. Collection method: clinical testing. Allele origin: germline. Affected: yes.

Illumina Laboratory Services, Illumina
Classification: Benign for Focal segmental glomerulosclerosis 2. Last evaluated: 2018-01-12. Review status: criteria provided, single submitter. Criteria: ICSL Variant Classification Criteria 13 December 2019. Collection method: clinical testing. Allele origin: germline.
Comment: This variant was observed in the ICSL laboratory as part of a predisposition screen in an ostensibly healthy population. It had not been previously curated by ICSL or reported in the Human Gene Mutation Database (HGMD: prior to June 1st, 2018), and was therefore a candidate for classification through an automated scoring system. Utilizing variant allele frequency, disease prevalence and penetrance estimates, and inheritance mode, an automated score was calculated to assess if this variant is too frequent to cause the disease. Based on the score and internal cut-off values, a variant classified as benign is not then subjected to further curation. The score for this variant resulted in a classification of benign for this disease.

Eurofins Ntd Llc (ga)
Classification: Likely benign. Last evaluated: 2017-06-05. Review status: criteria provided, single submitter. Criteria: EGL Classification Definitions 2015. Collection method: clinical testing. Allele origin: germline. Observed: 1 variant allele, 1 heterozygote.

PreventionGenetics, part of Exact Sciences
Classification: Benign for TRPC6-related condition. Last evaluated: 2022-12-20. Review status: no assertion criteria provided. Collection method: clinical testing. Allele origin: germline. Not counted in ClinVar's aggregate classification.
Comment: This variant is classified as benign based on ACMG/AMP sequence variant interpretation guidelines (Richards et al. 2015 PMID: 25741868, with internal and published modifications).

NM_004621.6(TRPC6):c.1818T>C (p.Ser606=)

Gene: TRPC6 (transient receptor potential cation channel subfamily C member 6; minus strand). Cytogenetic location: 11q22.1.
Variant type: single nucleotide variant.
Coding change: c.1818T>C on transcript NM_004621.6 (MANE Select); coding-DNA position 1818, T replaced by C.
Protein change: p.Ser606=; no amino-acid change (serine 606 retained).
Molecular consequence: synonymous variant.
Genome position (GRCh38, 1-based): chr11:101,473,700, A>G on the plus strand (T>C on the coding strand, the complement: TRPC6 is on the minus strand). VCF-style: chr11-101473700-A-G. GRCh37 (hg19) VCF-style: chr11-101344431-A-G.
Identifiers: ClinVar variation 259457 (VCV000259457.24), dbSNP rs139187399, ClinGen allele CA6244248.